The following is an entry in ClinVar:

NM_000455.5(STK11):c.498C>G (p.Tyr166Ter)

Gene: STK11 (serine/threonine kinase 11; plus strand). Cytogenetic location: 19p13.3.
Variant type: single nucleotide variant.
Coding change: c.498C>G on transcript NM_000455.5 (MANE Select); coding-DNA position 498, C replaced by G.
Protein change: p.Tyr166Ter; replaces tyrosine 166 with a stop codon.
Molecular consequence: nonsense.
Genome position (GRCh38, 1-based): chr19:1,220,406, C>G. VCF-style: chr19-1220406-C-G. GRCh37 (hg19) VCF-style: chr19-1220405-C-G.
Other names: short protein forms Y166*.
Identifiers: ClinVar variation 661321 (VCV000661321.9), dbSNP rs1555738205, ClinGen allele CA402948884.
Genomic context (GRCh38, chr19:1,220,406, plus strand): 5'-CCCAGGACGGGTGTGTGCTGCCCGCAGGTACTTCTGTCAGCTGATTGACGGCCTGGAGTA[C>G]CTGCATAGCCAGGGCATTGTGCACAAGGACATCAAGCCGGGGAACCTGCTGCTCACCACC-3'

ClinVar aggregate classification (germline): Pathogenic. Review status: criteria provided, multiple submitters, no conflicts (2 of 4 stars). 2 submissions from 2 submitters: Pathogenic (2). Last evaluated 2024-08-23.

Conditions:
Peutz-Jeghers syndrome (PJS). Also called: POLYPOSIS, HAMARTOMATOUS INTESTINAL; POLYPS-AND-SPOTS SYNDROME; Peutz-Jeghers polyposis; Periorificial lentiginosis syndrome. Identifiers: Orphanet 2869, MedGen C0031269, MeSH D010580, MONDO:0008280, OMIM 175200.
Hereditary cancer-predisposing syndrome. Also called: Neoplastic Syndromes, Hereditary; Hereditary neoplastic syndrome; Tumor predisposition; Hereditary Cancer Syndrome. Identifiers: Orphanet 140162, MedGen C0027672, MeSH D009386, MONDO:0015356.

Submissions (2):

Ambry Genetics
Classification: Pathogenic for Hereditary cancer-predisposing syndrome. Last evaluated: 2024-08-23. Review status: criteria provided, single submitter. Criteria: Ambry Variant Classification Scheme 2023. Collection method: clinical testing. Allele origin: germline.
Comment: The p.Y166* pathogenic mutation (also known as c.498C>G), located in coding exon 4 of the STK11 gene, results from a C to G substitution at nucleotide position 498. This changes the amino acid from a tyrosine to a stop codon within coding exon 4. This variant has been observed in at least one individual with a personal and/or family history that is consistent with Peutz-Jeghers syndrome (Ambry internal data; Resta N et al. Dig Liver Dis, 2013 Jul;45:606-11). This variant is considered to be rare based on population cohorts in the Genome Aggregation Database (gnomAD). In addition to the clinical data presented in the literature, this alteration is expected to result in loss of function by premature protein truncation or nonsense-mediated mRNA decay. As such, this alteration is interpreted as a disease-causing mutation.

Labcorp Genetics (formerly Invitae), Labcorp
Classification: Pathogenic for Peutz-Jeghers syndrome. Last evaluated: 2018-10-16. Review status: criteria provided, single submitter. Criteria: Invitae Variant Classification Sherloc (09022015). Collection method: clinical testing. Allele origin: germline.
Comment: For these reasons, this variant has been classified as Pathogenic. Loss-of-function variants in STK11 are known to be pathogenic (PMID: 15188174, 16287113). This variant has been observed in an individual affected with Peutz-Jeghers syndrome (PJS) (PMID: 23415580). This variant is not present in population databases (ExAC no frequency). This sequence change creates a premature translational stop signal (p.Tyr166*) in the STK11 gene. It is expected to result in an absent or disrupted protein product.

Literature cited by the submitters: PubMed 23415580 (cited by Ambry Genetics and Labcorp Genetics (formerly Invitae), Labcorp); PubMed 15188174 (cited by Labcorp Genetics (formerly Invitae), Labcorp); PubMed 16287113 (cited by Labcorp Genetics (formerly Invitae), Labcorp).